The following is an entry in ClinVar:

NM_004168.4(SDHA):c.182A>G (p.Glu61Gly)

Gene: SDHA (succinate dehydrogenase complex flavoprotein subunit A; plus strand). Cytogenetic location: 5p15.33.
Variant type: single nucleotide variant.
Coding change: c.182A>G on transcript NM_004168.4 (MANE Select); coding-DNA position 182, A replaced by G.
Protein change: p.Glu61Gly; replaces glutamic acid 61 with glycine.
Molecular consequence: missense variant.
Genome position (GRCh38, 1-based): chr5:224,391, A>G. VCF-style: chr5-224391-A-G. GRCh37 (hg19) VCF-style: chr5-224506-A-G.
Other names: c.182A>G, p.Glu61Gly (NM_001294332.2, NM_001330758.2); short protein forms E61G.
Identifiers: ClinVar variation 3754181 (VCV003754181.2).

ClinVar aggregate classification (germline): Uncertain significance (1 of 4 stars; one submission).

Conditions:
Mitochondrial complex II deficiency, nuclear type 1. Also called: SUCCINATE CoQ REDUCTASE DEFICIENCY. Identifiers: Orphanet 3208, MedGen C5700310, MONDO:0100294, OMIM 252011.
Pheochromocytoma/paraganglioma syndrome 5. Also called: Paragangliomas 5; SDHA-Related Hereditary Paraganglioma-Pheochromocytoma Syndrome. Identifiers: Orphanet 29072, MedGen C3279992, MONDO:0013602, OMIM 614165.

Submission:

Labcorp Genetics (formerly Invitae), Labcorp
Classification: Uncertain significance for Pheochromocytoma/paraganglioma syndrome 5; Mitochondrial complex II deficiency, nuclear type 1. Last evaluated: 2024-06-23. Review status: criteria provided, single submitter. Criteria: Invitae Variant Classification Sherloc (09022015). Collection method: clinical testing. Allele origin: germline.
Comment: This sequence change replaces glutamic acid, which is acidic and polar, with glycine, which is neutral and non-polar, at codon 61 of the SDHA protein (p.Glu61Gly). This variant is not present in population databases (gnomAD no frequency). This variant has not been reported in the literature in individuals affected with SDHA-related conditions. Advanced modeling of protein sequence and biophysical properties (such as structural, functional, and spatial information, amino acid conservation, physicochemical variation, residue mobility, and thermodynamic stability) performed at Invitae indicates that this missense variant is not expected to disrupt SDHA protein function with a negative predictive value of 95%. In summary, the available evidence is currently insufficient to determine the role of this variant in disease. Therefore, it has been classified as a Variant of Uncertain Significance.